The following is an entry in ClinVar:

ClinVar aggregate classification (germline): Likely benign. Review status: criteria provided, multiple submitters, no conflicts (2 of 4 stars). 4 submissions from 4 submitters: Likely benign (2). 2 of the submissions do not count toward it. Last evaluated 2026-09-01.

Allele frequency attached by ClinVar (database versions not stated): 1000 Genomes Project 0.00140; 1000 Genomes Project 30x 0.00141; TOPMed 0.00164; gnomAD 0.00180 and 0.00191; ESP Exome Variant Server 0.00208; gnomAD exomes 0.00239 and 0.00270; ExAC 0.00269.
gnomAD v4.1: 4,188 of 1,613,042 alleles (0.26%); highest among the groups gnomAD compares: South Asian, 0.83%; 16 homozygotes.

Submissions (10):

CeGaT Center for Human Genetics Tuebingen
Classification: Likely benign. Last evaluated: 2026-09-01. Review status: criteria provided, single submitter. Criteria: CeGaT Center For Human Genetics Tuebingen Variant Classification Criteria Version 2. Collection method: clinical testing. Allele origin: germline. Affected: yes. Observed: 16 variant alleles.
Comment: ODC1: BS2

Breakthrough Genomics
Classification: Likely benign. Review status: criteria provided, single submitter. Criteria: ACMG Guidelines, 2015. Collection method: not provided. Allele origin: germline. Inheritance: Autosomal dominant inheritance. Affected: yes.

Clinical Genetics DNA and cytogenetics Diagnostics Lab, Erasmus MC, Erasmus Medical Center
Classification: Likely benign. Review status: no assertion criteria provided. Collection method: clinical testing. Allele origin: germline. Affected: yes. Study: VKGL Data-share Consensus. Not counted in ClinVar's aggregate classification.

Diagnostic Laboratory, Department of Genetics, University Medical Center Groningen
Classification: Likely benign. Review status: no assertion criteria provided. Collection method: clinical testing. Allele origin: germline. Affected: yes. Study: VKGL Data-share Consensus. Not counted in ClinVar's aggregate classification.

Dr. Peter K. Rogan Lab, Western University
No classification provided (evidence only). Condition: Familial cancer of breast. Review status: no classification provided. Collection method: in vitro. Allele origin: not applicable. Functional consequence: retained intron. Not counted in ClinVar's aggregate classification.

Dr. Peter K. Rogan Lab, Western University
No classification provided (evidence only). Condition: Ovarian serous cystadenocarcinoma. Review status: no classification provided. Collection method: in vitro. Allele origin: not applicable. Functional consequence: retained intron. Not counted in ClinVar's aggregate classification.

Dr. Peter K. Rogan Lab, Western University
No classification provided (evidence only). Condition: Ovarian serous cystadenocarcinoma. Review status: no classification provided. Collection method: in vitro. Allele origin: not applicable. Functional consequence: retained intron. Not counted in ClinVar's aggregate classification.

Dr. Peter K. Rogan Lab, Western University
No classification provided (evidence only). Condition: Ovarian serous cystadenocarcinoma. Review status: no classification provided. Collection method: in vitro. Allele origin: not applicable. Functional consequence: retained intron. Not counted in ClinVar's aggregate classification.

Dr. Peter K. Rogan Lab, Western University
No classification provided (evidence only). Condition: Ovarian serous cystadenocarcinoma. Review status: no classification provided. Collection method: in vitro. Allele origin: not applicable. Functional consequence: retained intron. Not counted in ClinVar's aggregate classification.

Dr. Peter K. Rogan Lab, Western University
No classification provided (evidence only). Condition: Ovarian serous cystadenocarcinoma. Review status: no classification provided. Collection method: in vitro. Allele origin: not applicable. Functional consequence: retained intron. Not counted in ClinVar's aggregate classification.

NM_002539.3(ODC1):c.250G>A (p.Gly84Arg)

Gene: ODC1 (ornithine decarboxylase 1; minus strand). Cytogenetic location: 2p25.1.
Variant type: single nucleotide variant.
Coding change: c.250G>A on transcript NM_002539.3 (MANE Select); coding-DNA position 250, G replaced by A.
Protein change: p.Gly84Arg; replaces glycine 84 with arginine.
Molecular consequence: missense variant. On other transcripts: 5 prime UTR variant (1).
Genome position (GRCh38, 1-based): chr2:10,444,500, C>T on the plus strand (G>A on the coding strand, the complement: ODC1 is on the minus strand). VCF-style: chr2-10444500-C-T. GRCh37 (hg19) VCF-style: chr2-10584626-C-T.
Other names: NC_000002.11:g.10584626C>T; c.-138G>A (NM_001287188.2); c.250G>A, p.Gly84Arg (NM_001287189.2, NM_001287190.2); short protein forms G84R.
Identifiers: ClinVar variation 1299887 (VCV001299887.26), dbSNP rs138359527, ClinGen allele CA1527067.